The following is an entry in ClinVar:

NM_000326.5(RLBP1):c.212A>G (p.Gln71Arg)

Gene: RLBP1 (retinaldehyde binding protein 1; minus strand). Cytogenetic location: 15q26.1.
Variant type: single nucleotide variant.
Coding change: c.212A>G on transcript NM_000326.5 (MANE Select); coding-DNA position 212, A replaced by G.
Protein change: p.Gln71Arg; replaces glutamine 71 with arginine.
Molecular consequence: missense variant.
Genome position (GRCh38, 1-based): chr15:89,217,254, T>C on the plus strand (A>G on the coding strand, the complement: RLBP1 is on the minus strand). VCF-style: chr15-89217254-T-C. GRCh37 (hg19) VCF-style: chr15-89760485-T-C.
Other names: short protein forms Q71R.
Identifiers: ClinVar variation 1039109 (VCV001039109.5), dbSNP rs913607874, ClinGen allele CA274535594.

ClinVar aggregate classification (germline): Uncertain significance. Review status: criteria provided, single submitter (1 of 4 stars). 2 submissions from 2 submitters: Uncertain significance (1). 1 of the submissions does not count toward it. Last evaluated 2021-09-25.

Conditions:
Optic atrophy. Identifiers: MedGen C0029124, MONDO:0003608, HP:0000648.

Allele frequency attached by ClinVar (database versions not stated): gnomAD exomes below 0.00001 and 0.00001; gnomAD 0.00002; TOPMed 0.00002.

Submissions (2):

Labcorp Genetics (formerly Invitae), Labcorp
Classification: Uncertain significance. Last evaluated: 2021-09-25. Review status: criteria provided, single submitter. Criteria: Invitae Variant Classification Sherloc (09022015). Collection method: clinical testing. Allele origin: germline.
Comment: This sequence change replaces glutamine with arginine at codon 71 of the RLBP1 protein (p.Gln71Arg). The glutamine residue is moderately conserved and there is a small physicochemical difference between glutamine and arginine. This variant is not present in population databases (ExAC no frequency). This variant has not been reported in the literature in individuals affected with RLBP1-related conditions. Algorithms developed to predict the effect of missense changes on protein structure and function output the following: SIFT: "Tolerated"; PolyPhen-2: "Benign"; Align-GVGD: "Class C0". The arginine amino acid residue is found in multiple mammalian species, which suggests that this missense change does not adversely affect protein function. In summary, the available evidence is currently insufficient to determine the role of this variant in disease. Therefore, it has been classified as a Variant of Uncertain Significance.

Institute of Human Genetics, Univ. Regensburg, Univ. Regensburg
Classification: Uncertain significance for Optic atrophy. Last evaluated: 2022-01-01. Review status: no assertion criteria provided. Criteria: ACMG Guidelines, 2015. Collection method: clinical testing. Allele origin: germline. Affected: yes. Not counted in ClinVar's aggregate classification.